The following is an entry in ClinVar:

NM_145290.4(ADGRA3):c.1727G>A (p.Arg576Lys)

Gene: ADGRA3 (adhesion G protein-coupled receptor A3; minus strand). Cytogenetic location: 4p15.2.
Variant type: single nucleotide variant.
Coding change: c.1727G>A on transcript NM_145290.4 (MANE Select); coding-DNA position 1727, G replaced by A.
Protein change: p.Arg576Lys; replaces arginine 576 with lysine.
Molecular consequence: missense variant.
Genome position (GRCh38, 1-based): chr4:22,420,968, C>T on the plus strand (G>A on the coding strand, the complement: ADGRA3 is on the minus strand). VCF-style: chr4-22420968-C-T. GRCh37 (hg19) VCF-style: chr4-22422591-C-T.
Other names: short protein forms R576K.
Identifiers: ClinVar variation 1062017 (VCV001062017.9), dbSNP rs758388407, ClinGen allele CA2873858.

ClinVar aggregate classification (germline): Uncertain significance (1 of 4 stars; one submission).

Allele frequency attached by ClinVar (database versions not stated): gnomAD exomes below 0.00001 and 0.00002; ExAC 0.00002; TOPMed 0.00002.
gnomAD v4.1: 6 of 1,614,052 alleles (0.00037%); highest among the groups gnomAD compares: East Asian, 0.0089%; no homozygotes.

Submission:

Labcorp Genetics (formerly Invitae), Labcorp
Classification: Uncertain significance. Last evaluated: 2020-10-06. Review status: criteria provided, single submitter. Criteria: Invitae Variant Classification Sherloc (09022015). Collection method: clinical testing. Allele origin: germline.
Comment: This sequence change replaces arginine with lysine at codon 576 of the ADGRA3 protein (p.Arg576Lys). The arginine residue is moderately conserved and there is a small physicochemical difference between arginine and lysine. In summary, the available evidence is currently insufficient to determine the role of this variant in disease. Therefore, it has been classified as a Variant of Uncertain Significance. Algorithms developed to predict the effect of missense changes on protein structure and function are either unavailable or do not agree on the potential impact of this missense change (SIFT: "Deleterious"; PolyPhen-2: "Benign"; Align-GVGD: "Class C0"). This variant has not been reported in the literature in individuals with ADGRA3-related conditions. This variant is present in population databases (rs758388407, ExAC 0.03%).